The following is an entry in ClinVar:

NM_052947.4(ALPK2):c.6304G>A (p.Gly2102Arg)

Gene: ALPK2 (alpha kinase 2; minus strand). Cytogenetic location: 18q21.31.
Variant type: single nucleotide variant.
Coding change: c.6304G>A on transcript NM_052947.4 (MANE Select); coding-DNA position 6304, G replaced by A.
Protein change: p.Gly2102Arg; replaces glycine 2102 with arginine.
Molecular consequence: missense variant.
Genome position (GRCh38, 1-based): chr18:58,482,032, C>T on the plus strand (G>A on the coding strand, the complement: ALPK2 is on the minus strand). VCF-style: chr18-58482032-C-T. GRCh37 (hg19) VCF-style: chr18-56149264-C-T.
Other names: short protein forms G2102R.
Identifiers: ClinVar variation 1752747 (VCV001752747.3), dbSNP rs776524912, ClinGen allele CA8976181.

ClinVar aggregate classification (germline): Uncertain significance (1 of 4 stars; one submission).

Allele frequency attached by ClinVar (database versions not stated): gnomAD 0.00001; gnomAD exomes 0.00001; ExAC 0.00002.
gnomAD v4.1: 19 of 1,612,866 alleles (0.0012%); highest among the groups gnomAD compares: South Asian, 0.018%; no homozygotes.

Submission:

Ambry Genetics
Classification: Uncertain significance. Last evaluated: 2024-07-05. Review status: criteria provided, single submitter. Criteria: Ambry Variant Classification Scheme 2023. Collection method: clinical testing. Allele origin: germline.
Comment: The p.G2102R variant (also known as c.6304G>A), located in coding exon 12 of the ALPK2 gene, results from a G to A substitution at nucleotide position 6304. The glycine at codon 2102 is replaced by arginine, an amino acid with dissimilar properties. This amino acid position is conserved. In addition, the in silico prediction for this alteration is inconclusive. Since supporting evidence is limited at this time, the clinical significance of this alteration remains unclear.